The following is an entry in ClinVar:

NM_018417.6(ADCY10):c.2895C>A (p.Asp965Glu)

Gene: ADCY10 (adenylate cyclase 10; minus strand). Cytogenetic location: 1q24.2.
Variant type: single nucleotide variant.
Coding change: c.2895C>A on transcript NM_018417.6 (MANE Select); coding-DNA position 2895, C replaced by A.
Protein change: p.Asp965Glu; replaces aspartic acid 965 with glutamic acid.
Molecular consequence: missense variant.
Genome position (GRCh38, 1-based): chr1:167,845,675, G>T on the plus strand (C>A on the coding strand, the complement: ADCY10 is on the minus strand). VCF-style: chr1-167845675-G-T. GRCh37 (hg19) VCF-style: chr1-167814913-G-T.
Other names: c.2436C>A, p.Asp812Glu (NM_001167749.3); c.2619C>A, p.Asp873Glu (NM_001297772.2); short protein forms D812E, D965E, D873E.
Identifiers: ClinVar variation 719941 (VCV000719941.13), dbSNP rs150156383, ClinGen allele CA1227534.
Genomic context (GRCh38, chr1:167,845,675, plus strand): 5'-GTTGAGCCGAATATTCACTGTGAAGTGATGATAGGGAATGAAGTCCCTGCCTCGGCAGTG[G>T]TCACATCTGTGGGCATCTTCTTCTAAAAAGCGGGCACATTTCAAGTGCATGGCTTTTCTC-3'
Protein context (NP_060887.2, residues 955-975): RFLEEDAHRC[Asp965Glu]HCRGRDFIPY

ClinVar aggregate classification (germline): Likely benign. Review status: criteria provided, multiple submitters, no conflicts (2 of 4 stars). 4 submissions from 4 submitters: Likely benign (3). 1 of the submissions does not count toward it. Last evaluated 2026-08-01.

Conditions:
ADCY10-related disorder. Also called: ADCY10-related condition.

Allele frequency attached by ClinVar (database versions not stated): ExAC 0.00155; gnomAD exomes 0.00173 and 0.00277; 1000 Genomes Project 0.00180; gnomAD 0.00182 and 0.00185; TOPMed 0.00202; 1000 Genomes Project 30x 0.00203; ESP Exome Variant Server 0.00238.
gnomAD v4.1: 4,309 of 1,614,256 alleles (0.27%); highest among the groups gnomAD compares: Non-Finnish European, 0.33%; 10 homozygotes.

Submissions (4):

CeGaT Center for Human Genetics Tuebingen
Classification: Likely benign. Last evaluated: 2026-08-01. Review status: criteria provided, single submitter. Criteria: CeGaT Center For Human Genetics Tuebingen Variant Classification Criteria Version 2. Collection method: clinical testing. Allele origin: germline. Affected: yes. Observed: 1 variant allele.
Comment: ADCY10: BP4, BS1

Labcorp Genetics (formerly Invitae), Labcorp
Classification: Likely benign. Last evaluated: 2026-01-27. Review status: criteria provided, single submitter. Criteria: Invitae Variant Classification Sherloc (09022015). Collection method: clinical testing. Allele origin: germline.

Blueprint Genetics
Classification: Likely benign. Last evaluated: 2024-11-25. Review status: criteria provided, single submitter. Criteria: ACMG Guidelines, 2015. Collection method: clinical testing. Allele origin: germline.

PreventionGenetics, part of Exact Sciences
Classification: Likely benign for ADCY10-related condition. Last evaluated: 2021-02-08. Review status: no assertion criteria provided. Collection method: clinical testing. Allele origin: germline. Not counted in ClinVar's aggregate classification.
Comment: This variant is classified as likely benign based on ACMG/AMP sequence variant interpretation guidelines (Richards et al. 2015 PMID: 25741868, with internal and published modifications).